The following is an entry in ClinVar:

NM_174975.5(SEC14L3):c.540G>A (p.Glu180=)

Gene: SEC14L3 (SEC14 like lipid binding 3; minus strand). Cytogenetic location: 22q12.2.
Variant type: single nucleotide variant.
Coding change: c.540G>A on transcript NM_174975.5 (MANE Select); coding-DNA position 540, G replaced by A.
Protein change: p.Glu180=; no amino-acid change (glutamic acid 180 retained).
Molecular consequence: synonymous variant.
Genome position (GRCh38, 1-based): chr22:30,466,374, C>T on the plus strand (G>A on the coding strand, the complement: SEC14L3 is on the minus strand). VCF-style: chr22-30466374-C-T. GRCh37 (hg19) VCF-style: chr22-30862361-C-T.
Other names: c.309G>A, p.Glu103= (NM_001257378.2); c.363G>A, p.Glu121= (NM_001257379.2, NM_001257382.2, NM_001376914.1).
Identifiers: ClinVar variation 2653058 (VCV002653058.24), dbSNP rs540971001, ClinGen allele CA10182215.

ClinVar aggregate classification (germline): Likely benign (1 of 4 stars; one submission).

Allele frequency attached by ClinVar (database versions not stated): ExAC 0.00012; 1000 Genomes Project 0.00060; 1000 Genomes Project 30x 0.00062.
gnomAD v4.1: 87 of 1,614,138 alleles (0.0054%); highest among the groups gnomAD compares: South Asian, 0.091%; 2 homozygotes.

Submission:

CeGaT Center for Human Genetics Tuebingen
Classification: Likely benign. Last evaluated: 2022-07-01. Review status: criteria provided, single submitter. Criteria: CeGaT Center For Human Genetics Tuebingen Variant Classification Criteria Version 2. Collection method: clinical testing. Allele origin: germline. Affected: yes. Observed: 1 variant allele.
Comment: SEC14L3: BP4, BP7